The following is an entry in ClinVar:

NM_000238.4(KCNH2):c.60dup (p.Lys21fs)

Gene: KCNH2 (potassium voltage-gated channel subfamily H member 2; minus strand). Cytogenetic location: 7q36.1.
Variant type: Duplication.
Coding change: c.60dup on transcript NM_000238.4 (MANE Select); coding-DNA position 60, one base duplicated (C; older notation c.60dupC).
Protein change: p.Lys21fs; shifts the reading frame from lysine 21.
Molecular consequence: frameshift variant. On other transcripts: non-coding transcript variant (1).
Genome position (GRCh38, 1-based): chr7:150,977,854, G duplicated on the plus strand (C on the coding strand, the reverse complement: KCNH2 is on the minus strand). VCF-style (leftmost placement, unchanged base first): chr7-150977853-T-TG. GRCh37 (hg19) VCF-style: chr7-150674941-T-TG.
Other names: c.60dup, p.Lys21fs (NM_172056.3); short protein forms K21fs.
Identifiers: ClinVar variation 3728256 (VCV003728256.2).
Genomic context (GRCh38, chr7:150,977,853, plus strand): 5'-CCGCCCCCAGAGCCCCCTCCCCGCTCAGCCCCCTCCCCCACTCACTCTGGCCCTCAAACT[T>TG]GCGGATGATGGTGTCCAGGAAGGTGTTCTGCGGCGCGACGTGGCCCCTCCGCACCGGCAT-3'

ClinVar aggregate classification (germline): Pathogenic (1 of 4 stars; one submission).

Conditions:
Long QT syndrome (LQTS). Identifiers: MedGen C0023976, MeSH D008133, MONDO:0002442. Disease mechanism: loss of function. Inheritance: Various modes of inheritance.

Submission:

Labcorp Genetics (formerly Invitae), Labcorp
Classification: Pathogenic for Long QT syndrome. Last evaluated: 2024-12-30. Review status: criteria provided, single submitter. Criteria: Invitae Variant Classification Sherloc (09022015). Collection method: clinical testing. Allele origin: germline.
Comment: This sequence change creates a premature translational stop signal (p.Lys21Glnfs*3) in the KCNH2 gene. It is expected to result in an absent or disrupted protein product. Loss-of-function variants in KCNH2 are known to be pathogenic (PMID: 10973849, 19862833). This variant is not present in population databases (gnomAD no frequency). This variant has not been reported in the literature in individuals affected with KCNH2-related conditions. For these reasons, this variant has been classified as Pathogenic.

Literature cited by the submitters: PubMed 10973849; PubMed 19862833.